The following is an entry in ClinVar:

NM_015915.5(ATL1):c.1119+1G>A

Gene: ATL1 (atlastin GTPase 1; plus strand). Cytogenetic location: 14q22.1.
Variant type: single nucleotide variant.
Coding change: c.1119+1G>A on transcript NM_015915.5 (MANE Select); the canonical splice donor site of the intron after coding-DNA position 1119, G replaced by A.
Molecular consequence: splice donor variant.
Genome position (GRCh38, 1-based): chr14:50,623,249, G>A. VCF-style: chr14-50623249-G-A. GRCh37 (hg19) VCF-style: chr14-51089967-G-A.
Other names: c.1119+1G>A (NM_001127713.1, NM_181598.4).
Identifiers: ClinVar variation 4982919 (VCV004982919.1).
Genomic context (GRCh38, chr14:50,623,249, plus strand): 5'-GCTAACAATTTAGCAGCCGTGGCAACTGCCAAGGACACATACAACAAAAAAATGGAAGAG[G>A]TAAGAGTTAAATATTTTAAATTCTGTCTTAAACAAAACCAGTATCCTTCATGCAACTCAT-3'

ClinVar aggregate classification (germline): Uncertain significance (1 of 4 stars; one submission).

Conditions:
ATL1-related disorder. Also called: ATL1-related condition.

Submission:

PreventionGenetics, part of Exact Sciences
Classification: Uncertain significance for ATL1-related condition. Last evaluated: 2026-08-10. Review status: criteria provided, single submitter. Criteria: ACMG Guidelines, 2015. Collection method: clinical testing. Allele origin: germline.
Comment: The ATL1 c.1119+1G>A variant is predicted to disrupt the GT donor site and interfere with normal splicing. To our knowledge, this variant has not been reported in the literature or in a large population database (gnomAD), indicating this variant is rare. Although we suspect that this variant may be pathogenic, at this time, the clinical significance of this variant is uncertain due to the absence of conclusive functional and genetic evidence.